The following is an entry in ClinVar:

ClinVar aggregate classification (germline): Pathogenic. Review status: criteria provided, multiple submitters, no conflicts (2 of 4 stars). 6 submissions from 4 submitters: Pathogenic (2). 4 of the submissions do not count toward it. Last evaluated 2022-03-25.

Conditions:
Heinz body anemia. Also called: Heinz body hemolytic anemia. Identifiers: Orphanet 178330, MedGen C0700299, MONDO:0007705, OMIM 140700, HP:0005511.
HEMOGLOBIN HAMMERSMITH.
HEMOGLOBIN CHIBA.
beta Thalassemia (BTHAL). Also called: Cooley's anemia; Erythroblastic anemia; Mediterranean anemia. Identifiers: Orphanet 848, MedGen C0005283, MONDO:0019402. Disease mechanism: loss of function.

Submissions (6):

GeneDx
Classification: Pathogenic. Last evaluated: 2022-03-25. Review status: criteria provided, single submitter. Criteria: GeneDx Variant Classification Process June 2021. Collection method: clinical testing. Allele origin: germline. Affected: yes.
Comment: Published functional studies suggest a damaging effect resulting in lower oxygen affinity and increased 2,3-DPG concentration (May et al., 1975); Not observed at significant frequency in large population cohorts (gnomAD); In silico analysis supports that this missense variant has a deleterious effect on protein structure/function; Also known as Hb Hammersmith; This variant is associated with the following publications: (PMID: 1911375, 19429541, 24471820, 1201210, 29084024, 22217314)

ARUP Laboratories, Molecular Genetics and Genomics, ARUP Laboratories
Classification: Pathogenic. Last evaluated: 2017-12-15. Review status: criteria provided, single submitter. Criteria: ARUP Molecular Germline Variant Investigation Process. Collection method: clinical testing. Allele origin: germline.

Natera, Inc.
Classification: Pathogenic for Beta thalassemia. Last evaluated: 2017-03-17. Review status: no assertion criteria provided. Collection method: clinical testing. Allele origin: germline. Not counted in ClinVar's aggregate classification.

OMIM
Classification: other for HEMOGLOBIN HAMMERSMITH. Last evaluated: 1988-06-01. Review status: no assertion criteria provided. Collection method: literature only. Allele origin: germline. Not counted in ClinVar's aggregate classification.

OMIM
Classification: other for HEMOGLOBIN CHIBA. Last evaluated: 1988-06-01. Review status: no assertion criteria provided. Collection method: literature only. Allele origin: germline. Not counted in ClinVar's aggregate classification.

OMIM
Classification: Pathogenic for HEINZ BODY HEMOLYTIC ANEMIA. Last evaluated: 1988-06-01. Review status: no assertion criteria provided. Collection method: literature only. Allele origin: germline. Not counted in ClinVar's aggregate classification.

Literature cited by the submitters: PubMed 6082463 (cited by OMIM); PubMed 1173714 (cited by OMIM); Rahbar, S., Lee, T., Asmeron, Y. Hb Beckman alpha135 (H13) ala-to-glu: a new unstable variant and reduced oxygen affinity. (Abstract) Blood 78 (suppl. 1): 204a, 1991. (cited by OMIM); PubMed 1164567 (cited by OMIM); PubMed 3260032 (cited by OMIM).

NM_000518.5(HBB):c.128T>C (p.Phe43Ser)

Genes: HBB (hemoglobin subunit beta; minus strand), LOC106099062 (HBB recombination region; plus strand), LOC107133510 (origin of replication at HBB; plus strand). Cytogenetic location: 11p15.4.
Variant type: single nucleotide variant.
Coding change: c.128T>C on transcript NM_000518.5 (MANE Select); coding-DNA position 128, T replaced by C.
Protein change: p.Phe43Ser; replaces phenylalanine 43 with serine.
Molecular consequence: missense variant.
Genome position (GRCh38, 1-based): chr11:5,226,764, A>G on the plus strand (T>C on the coding strand, the complement: HBB is on the minus strand). VCF-style: chr11-5226764-A-G. GRCh37 (hg19) VCF-style: chr11-5247994-A-G.
Other names: F42S; short protein forms F43S.
Identifiers: ClinVar variation 15190 (VCV000015190.12), dbSNP rs34378160, ClinGen allele CA124890.